The following is an entry in ClinVar:

ClinVar aggregate classification (germline): Uncertain significance (1 of 4 stars; one submission).

Submission:

Athena Diagnostics
Classification: Uncertain significance. Last evaluated: 2025-04-24. Review status: criteria provided, single submitter. Criteria: Athena Diagnostics Criteria. Collection method: clinical testing. Allele origin: unknown.
Comment: Available data are insufficient to determine the clinical significance of the variant at this time. Similar duplications of exons 1-3 have not been reported in large, multi-ethnic general populations.

Single allele

Gene: GLDC (glycine decarboxylase; minus strand). Cytogenetic location: 9p24.1.
Variant type: Duplication.
Identifiers: ClinVar variation 4682206 (VCV004682206.1).